The following is an entry in ClinVar:

NM_020247.5(COQ8A):c.1793G>A (p.Arg598His)

Gene: COQ8A (coenzyme Q8A; plus strand). Cytogenetic location: 1q42.13.
Variant type: single nucleotide variant.
Coding change: c.1793G>A on transcript NM_020247.5 (MANE Select); coding-DNA position 1793, G replaced by A.
Protein change: p.Arg598His; replaces arginine 598 with histidine.
Molecular consequence: missense variant.
Genome position (GRCh38, 1-based): chr1:226,986,586, G>A. VCF-style: chr1-226986586-G-A. GRCh37 (hg19) VCF-style: chr1-227174287-G-A.
Other names: short protein forms R598H.
Identifiers: ClinVar variation 1945649 (VCV001945649.4), dbSNP rs766101783, ClinGen allele CA1425668.

ClinVar aggregate classification (germline): Uncertain significance (1 of 4 stars; one submission).

Allele frequency attached by ClinVar (database versions not stated): ExAC 0.00001; TOPMed 0.00001.
gnomAD v4.1: 11 of 1,613,612 alleles (0.00068%); highest among the groups gnomAD compares: South Asian, 0.0022%; no homozygotes.

Submission:

Labcorp Genetics (formerly Invitae), Labcorp
Classification: Uncertain significance. Last evaluated: 2022-10-25. Review status: criteria provided, single submitter. Criteria: Invitae Variant Classification Sherloc (09022015). Collection method: clinical testing. Allele origin: germline.
Comment: This sequence change replaces arginine, which is basic and polar, with histidine, which is basic and polar, at codon 598 of the COQ8A protein (p.Arg598His). The frequency data for this variant in the population databases is considered unreliable, as metrics indicate poor data quality at this position in the gnomAD database. This variant has not been reported in the literature in individuals affected with COQ8A-related conditions. Advanced modeling of protein sequence and biophysical properties (such as structural, functional, and spatial information, amino acid conservation, physicochemical variation, residue mobility, and thermodynamic stability) performed at Invitae indicates that this missense variant is expected to disrupt COQ8A protein function. In summary, the available evidence is currently insufficient to determine the role of this variant in disease. Therefore, it has been classified as a Variant of Uncertain Significance.